The following is an entry in ClinVar:

ClinVar aggregate classification (germline): Uncertain significance. Review status: criteria provided, multiple submitters, no conflicts (2 of 4 stars). 2 submissions from 2 submitters: Uncertain significance (2). Last evaluated 2024-05-06.

Conditions:
Malignant hyperthermia, susceptibility to, 5 (MHS5). Also called: CACNA1S-Related Malignant Hyperthermia Susceptibility. Identifiers: Orphanet 423, MedGen C1866077, MONDO:0011163, OMIM 601887.

gnomAD v4.1: 5 of 1,614,062 alleles (0.00031%); highest among the groups gnomAD compares: Non-Finnish European, 0.00042%; no homozygotes.

Submissions (2):

Color Diagnostics, LLC DBA Color Health
Classification: Uncertain significance for Malignant hyperthermia, susceptibility to, 5. Last evaluated: 2024-05-06. Review status: criteria provided, single submitter. Criteria: ACMG Guidelines, 2015. Collection method: clinical testing. Allele origin: germline.
Comment: This missense variant replaces serine with arginine at codon 755 of the CACNA1S protein. Computational prediction is inconclusive regarding the impact of this variant on protein structure and function. To our knowledge, functional studies have not been reported for this variant. This variant has not been reported in individuals affected with CACNA1S-related disorders in the literature. This variant has not been identified in the general population by the Genome Aggregation Database (gnomAD). The available evidence is insufficient to determine the role of this variant in disease conclusively. Therefore, this variant is classified as a Variant of Uncertain Significance.

All of Us Research Program, National Institutes of Health
Classification: Uncertain significance for Malignant hyperthermia, susceptibility to, 5. Last evaluated: 2023-08-15. Review status: criteria provided, single submitter. Criteria: ACMG Guidelines, 2015. Collection method: clinical testing. Allele origin: germline. Inheritance: Autosomal dominant inheritance. Observed: 1 variant allele, 1 heterozygote.
Comment: This study involves interpretation of variants in research participants for the purpose of population health screening. Participant phenotype was not available at the time of variant classification. Additional details can be found in publication PMID: 35346344, PMCID: PMC8962531

NM_000069.3(CACNA1S):c.2265C>G (p.Ser755Arg)

Gene: CACNA1S (calcium voltage-gated channel subunit alpha1 S; minus strand). Cytogenetic location: 1q32.1.
Variant type: single nucleotide variant.
Coding change: c.2265C>G on transcript NM_000069.3 (MANE Select); coding-DNA position 2265, C replaced by G.
Protein change: p.Ser755Arg; replaces serine 755 with arginine.
Molecular consequence: missense variant.
Genome position (GRCh38, 1-based): chr1:201,070,367, G>C on the plus strand (C>G on the coding strand, the complement: CACNA1S is on the minus strand). VCF-style: chr1-201070367-G-C. GRCh37 (hg19) VCF-style: chr1-201039495-G-C.
Other names: short protein forms S755R.
Identifiers: ClinVar variation 3072750 (VCV003072750.2), dbSNP rs201913181, ClinGen allele CA344109316.